The following is an entry in ClinVar:

NM_018089.3(ANKZF1):c.334G>T (p.Ala112Ser)

Gene: ANKZF1 (ankyrin repeat and zinc finger peptidyl tRNA hydrolase 1; plus strand). Cytogenetic location: 2q35.
Variant type: single nucleotide variant.
Coding change: c.334G>T on transcript NM_018089.3 (MANE Select); coding-DNA position 334, G replaced by T.
Protein change: p.Ala112Ser; replaces alanine 112 with serine.
Molecular consequence: missense variant. On other transcripts: intron variant (1).
Genome position (GRCh38, 1-based): chr2:219,232,332, G>T. VCF-style: chr2-219232332-G-T. GRCh37 (hg19) VCF-style: chr2-220097054-G-T.
Other names: c.334G>T, p.Ala112Ser (NM_001042410.2); c.-266-158G>T (NM_001282792.2); short protein forms A112S.
Identifiers: ClinVar variation 1445308 (VCV001445308.6), dbSNP rs778316061, ClinGen allele CA2120713.

ClinVar aggregate classification (germline): Uncertain significance (1 of 4 stars; one submission).

Allele frequency attached by ClinVar (database versions not stated): ExAC 0.00001; gnomAD 0.00001; gnomAD exomes 0.00001; TOPMed 0.00001.
gnomAD v4.1: 15 of 1,614,108 alleles (0.00093%); highest among the groups gnomAD compares: Non-Finnish European, 0.00017%; no homozygotes.

Submission:

Labcorp Genetics (formerly Invitae), Labcorp
Classification: Uncertain significance. Last evaluated: 2024-01-31. Review status: criteria provided, single submitter. Criteria: Invitae Variant Classification Sherloc (09022015). Collection method: clinical testing. Allele origin: germline.
Comment: This sequence change replaces alanine, which is neutral and non-polar, with serine, which is neutral and polar, at codon 112 of the ANKZF1 protein (p.Ala112Ser). This variant is present in population databases (rs778316061, gnomAD 0.03%). This variant has not been reported in the literature in individuals affected with ANKZF1-related conditions. ClinVar contains an entry for this variant (Variation ID: 1445308). An algorithm developed to predict the effect of missense changes on protein structure and function (PolyPhen-2) suggests that this variant is likely to be tolerated. In summary, the available evidence is currently insufficient to determine the role of this variant in disease. Therefore, it has been classified as a Variant of Uncertain Significance.